The following is an entry in ClinVar:

NM_000094.4(COL7A1):c.4720C>T (p.Arg1574Trp)

Gene: COL7A1 (collagen type VII alpha 1 chain; minus strand). Cytogenetic location: 3p21.31.
Variant type: single nucleotide variant.
Coding change: c.4720C>T on transcript NM_000094.4 (MANE Select); coding-DNA position 4720, C replaced by T.
Protein change: p.Arg1574Trp; replaces arginine 1574 with tryptophan.
Molecular consequence: missense variant.
Genome position (GRCh38, 1-based): chr3:48,581,708, G>A on the plus strand (C>T on the coding strand, the complement: COL7A1 is on the minus strand). VCF-style: chr3-48581708-G-A. GRCh37 (hg19) VCF-style: chr3-48619141-G-A.
Other names: short protein forms R1574W.
Identifiers: ClinVar variation 998166 (VCV000998166.6), dbSNP rs773815805, ClinGen allele CA2379884.
Genomic context (GRCh38, chr3:48,581,708, plus strand): 5'-TAAGAAGTCAGGAAGACAACCTTCACCAACTGCCCCCTAAACACTTCGCTTCACTTACCC[G>A]TTCCCCTTGGACTCCGGTAGCTCCTCTGGGCCCAGCGGGCCCCACATCTCCCTGGAGGTG-3'
Protein context (NP_000085.1, residues 1564-1584): PRGATGVQGE[Arg1574Trp]GPPGLVLPGD

ClinVar aggregate classification (germline): Uncertain significance. Review status: criteria provided, multiple submitters, no conflicts (2 of 4 stars). 2 submissions from 2 submitters: Uncertain significance (2). Last evaluated 2025-04-13.

Conditions:
COL7A1-related epidermolysis bullosa.

Allele frequency attached by ClinVar (database versions not stated): gnomAD exomes 0.00002 and 0.00006; TOPMed 0.00007; ExAC 0.00006.
gnomAD v4.1: 27 of 1,614,008 alleles (0.0017%); highest among the groups gnomAD compares: Admixed American, 0.013%; no homozygotes.

Submissions (2):

Labcorp Genetics (formerly Invitae), Labcorp
Classification: Uncertain significance. Last evaluated: 2025-04-13. Review status: criteria provided, single submitter. Criteria: Invitae Variant Classification Sherloc (09022015). Collection method: clinical testing. Allele origin: germline.
Comment: This sequence change replaces arginine, which is basic and polar, with tryptophan, which is neutral and slightly polar, at codon 1574 of the COL7A1 protein (p.Arg1574Trp). This variant is present in population databases (rs773815805, gnomAD 0.02%). This variant has not been reported in the literature in individuals affected with COL7A1-related conditions. ClinVar contains an entry for this variant (Variation ID: 998166). Experimental studies and prediction algorithms are not available or were not evaluated, and the functional significance of this variant is currently unknown. In summary, the available evidence is currently insufficient to determine the role of this variant in disease. Therefore, it has been classified as a Variant of Uncertain Significance.

Breda Genetics srl
Classification: Uncertain significance for COL7A1-related epidermolysis bullosa. Last evaluated: 2020-12-19. Review status: criteria provided, single submitter. Criteria: ACMG Guidelines, 2015. Collection method: clinical testing. Allele origin: germline. Affected: yes. Observed: 1 variant allele, 1 heterozygote.
Comment: The variant c.4720C>T (p.Arg1574Trp) of the COL7A1 gene is reported with an estimated allele frequency of 0.00005569 in gnomAD exomes, with no homozygous individuals reported. The nucleotide position is weakly conserved across 35 mammalian species (GERP RS: 0.78). In silico analysis gives inconsistent results. The variant is located at the last amino acid position of exon 48, however in silico analysis does not predict any significant impact on splicing.